The following is an entry in ClinVar:

NM_001843.4(CNTN1):c.304A>C (p.Asn102His)

Gene: CNTN1 (contactin 1; plus strand). Cytogenetic location: 12q12.
Variant type: single nucleotide variant.
Coding change: c.304A>C on transcript NM_001843.4 (MANE Select); coding-DNA position 304, A replaced by C.
Protein change: p.Asn102His; replaces asparagine 102 with histidine.
Molecular consequence: missense variant.
Genome position (GRCh38, 1-based): chr12:40,922,332, A>C. VCF-style: chr12-40922332-A-C. GRCh37 (hg19) VCF-style: chr12-41316134-A-C.
Other names: c.304A>C, p.Asn102His (NM_001256063.2, NM_001256064.2); c.271A>C, p.Asn91His (NM_175038.2); short protein forms N102H, N91H.
Identifiers: ClinVar variation 863171 (VCV000863171.7), dbSNP rs749864561, ClinGen allele CA6516574.
Genomic context (GRCh38, chr12:40,922,332, plus strand): 5'-GGGGACGTTGATCTCACAAGTGATCGATACAGTATGGTAGGAGGAAACCTTGTTATCAAC[A>C]ACCCTGACAAACAGAAAGATGCTGGAATATACTACTGTTTAGCATCTAATAACTACGGGA-3'
Protein context (NP_001834.2, residues 92-112): SMVGGNLVIN[Asn102His]PDKQKDAGIY

ClinVar aggregate classification (germline): Uncertain significance (1 of 4 stars; one submission).

Conditions:
Compton-North congenital myopathy (CMYO12). Identifiers: Orphanet 210163, MedGen C2675527, MONDO:0012929, OMIM 612540.

Allele frequency attached by ClinVar (database versions not stated): gnomAD 0.00001 and 0.00003; TOPMed 0.00002.
gnomAD v4.1: 59 of 1,614,072 alleles (0.0037%); highest among the groups gnomAD compares: Middle Eastern, 0.099%; no homozygotes.

Submission:

Labcorp Genetics (formerly Invitae), Labcorp
Classification: Uncertain significance for Compton-North congenital myopathy. Last evaluated: 2025-10-13. Review status: criteria provided, single submitter. Criteria: Invitae Variant Classification Sherloc (09022015). Collection method: clinical testing. Allele origin: germline.
Comment: This sequence change replaces asparagine, which is neutral and polar, with histidine, which is basic and polar, at codon 102 of the CNTN1 protein (p.Asn102His). This variant is present in population databases (rs749864561, gnomAD 0.02%). This variant has not been reported in the literature in individuals affected with CNTN1-related conditions. ClinVar contains an entry for this variant (Variation ID: 863171). Invitae Evidence Modeling of protein sequence and biophysical properties (such as structural, functional, and spatial information, amino acid conservation, physicochemical variation, residue mobility, and thermodynamic stability) indicates that this missense variant is not expected to disrupt CNTN1 protein function with a negative predictive value of 95%. In summary, the available evidence is currently insufficient to determine the role of this variant in disease. Therefore, it has been classified as a Variant of Uncertain Significance.